The following is an entry in ClinVar:

ClinVar aggregate classification (germline): Uncertain significance (1 of 4 stars; one submission).

Submission:

Women's Health and Genetics/Laboratory Corporation of America, LabCorp
Classification: Uncertain significance. Last evaluated: 2026-04-06. Review status: criteria provided, single submitter. Criteria: LabCorp Variant Classification Summary - May 2015. Collection method: clinical testing. Allele origin: germline.
Comment: Variant summary: AQP2 c.494G>A (p.Gly165Asp) results in a non-conservative amino acid change in the encoded protein sequence. Algorithms developed to predict the effect of missense changes on protein structure and function all suggest that this variant is likely to be disruptive. The frequency data for this variant in gnomAD is considered unreliable, as metrics indicate poor data quality at this position. c.494G>A has been observed in an individual affected with AQP2-AR Diabetes Insipidus (Li_2021). These data do not allow any conclusion about variant significance. To our knowledge, no experimental evidence demonstrating an impact on protein function has been reported. The following publication has been ascertained in the context of this evaluation (PMID: 34177810). No submitters have cited clinical-significance assessments for this variant to ClinVar. Based on the evidence outlined above, the variant was classified as uncertain significance.

Literature cited by the submitters: PubMed 34177810.

NM_000486.6(AQP2):c.494G>A (p.Gly165Asp)

Genes: AQP2 (aquaporin 2; plus strand), AQP5-AS1 (AQP5 and AQP2 antisense RNA 2; minus strand). Cytogenetic location: 12q13.12.
Variant type: single nucleotide variant.
Coding change: c.494G>A on transcript NM_000486.6 (MANE Select); coding-DNA position 494, G replaced by A.
Protein change: p.Gly165Asp; replaces glycine 165 with aspartic acid.
Molecular consequence: missense variant. On other transcripts: non-coding transcript variant (1).
Genome position (GRCh38, 1-based): chr12:49,954,288, G>A. VCF-style: chr12-49954288-G-A. GRCh37 (hg19) VCF-style: chr12-50348071-G-A.
Other names: short protein forms G165D.
Identifiers: ClinVar variation 4848887 (VCV004848887.1).